The following is an entry in ClinVar:

ClinVar aggregate classification (germline): Uncertain significance (1 of 4 stars; one submission).

Conditions:
Hereditary cancer-predisposing syndrome. Also called: Neoplastic Syndromes, Hereditary; Tumor predisposition; Hereditary Cancer Syndrome; Hereditary neoplastic syndrome. Identifiers: Orphanet 140162, MedGen C0027672, MeSH D009386, MONDO:0015356.

Submission:

Ambry Genetics
Classification: Uncertain significance for Hereditary cancer-predisposing syndrome. Last evaluated: 2017-01-11. Review status: criteria provided, single submitter. Criteria: Ambry Variant Classification Scheme 2023. Collection method: clinical testing. Allele origin: germline.
Comment: The p.K122T variant (also known as c.365A>C), located in coding exon 3 of the RAD50 gene, results from an A to C substitution at nucleotide position 365. The amino acid change results in lysine to threonine at codon 122, an amino acid with similar properties. This amino acid position is highly conserved in available vertebrate species. In addition, this alteration is predicted to be tolerated by in silico analysis. Since supporting evidence is limited at this time, the clinical significance of this alteration remains unclear.

NM_005732.4(RAD50):c.365A>C (p.Lys122Thr)

Gene: RAD50 (RAD50 double strand break repair protein; plus strand). Cytogenetic location: 5q31.1.
Variant type: single nucleotide variant.
Coding change: c.365A>C on transcript NM_005732.4 (MANE Select); coding-DNA position 365, A replaced by C.
Protein change: p.Lys122Thr; replaces lysine 122 with threonine.
Molecular consequence: missense variant.
Genome position (GRCh38, 1-based): chr5:132,575,928, A>C. VCF-style: chr5-132575928-A-C. GRCh37 (hg19) VCF-style: chr5-131911620-A-C.
Other names: short protein forms K122T.
Identifiers: ClinVar variation 484696 (VCV000484696.5), dbSNP rs1276578702, ClinGen allele CA360931514.